The following is an entry in ClinVar:

NM_020911.2(PLXNA4):c.3967C>T (p.Arg1323Trp)

Gene: PLXNA4 (plexin A4; minus strand). Cytogenetic location: 7q32.3.
Variant type: single nucleotide variant.
Coding change: c.3967C>T on transcript NM_020911.2 (MANE Select); coding-DNA position 3967, C replaced by T.
Protein change: p.Arg1323Trp; replaces arginine 1323 with tryptophan.
Molecular consequence: missense variant.
Genome position (GRCh38, 1-based): chr7:132,174,828, G>A on the plus strand (C>T on the coding strand, the complement: PLXNA4 is on the minus strand). VCF-style: chr7-132174828-G-A. GRCh37 (hg19) VCF-style: chr7-131859587-G-A.
Other names: c.3967C>T, p.Arg1323Trp (NM_001393897.1); short protein forms R1323W.
Identifiers: ClinVar variation 5001270 (VCV005001270.1).

ClinVar aggregate classification (germline): Uncertain significance (1 of 4 stars; one submission).

Conditions:
PLXNA4-related disorder. Also called: PLXNA4-related condition.

gnomAD v4.1: 19 of 1,614,084 alleles (0.0012%); highest among the groups gnomAD compares: Admixed American, 0.0033%; no homozygotes.

Submission:

PreventionGenetics, part of Exact Sciences
Classification: Uncertain significance for PLXNA4-related condition. Last evaluated: 2025-01-14. Review status: criteria provided, single submitter. Criteria: ACMG Guidelines, 2015. Collection method: clinical testing. Allele origin: germline.
Comment: The PLXNA4 c.3967C>T variant is predicted to result in the amino acid substitution p.Arg1323Trp. To our knowledge, this variant has not been reported in the literature. This variant is reported in 0.0029% of alleles in individuals of Latino descent in gnomAD. At this time, the clinical significance of this variant is uncertain due to the absence of conclusive functional and genetic evidence.